The following is an entry in ClinVar:

ClinVar aggregate classification (germline): Uncertain significance. Review status: criteria provided, multiple submitters, no conflicts (2 of 4 stars). 4 submissions from 4 submitters: Uncertain significance (4). Last evaluated 2024-08-13.

Allele frequency attached by ClinVar (database versions not stated): gnomAD 0.00012 and 0.00017; TOPMed 0.00021; ESP Exome Variant Server 0.00039.
gnomAD v4.1: 286 of 1,611,446 alleles (0.018%); highest among the groups gnomAD compares: Middle Eastern, 0.4%; no homozygotes.

Submissions (4):

Labcorp Genetics (formerly Invitae), Labcorp
Classification: Uncertain significance. Last evaluated: 2024-08-13. Review status: criteria provided, single submitter. Criteria: Invitae Variant Classification Sherloc (09022015). Collection method: clinical testing. Allele origin: germline.
Comment: This sequence change replaces arginine, which is basic and polar, with tryptophan, which is neutral and slightly polar, at codon 165 of the TNS2 protein (p.Arg165Trp). This variant is present in population databases (rs373949417, gnomAD 0.1%), and has an allele count higher than expected for a pathogenic variant. This variant has not been reported in the literature in individuals affected with TNS2-related conditions. ClinVar contains an entry for this variant (Variation ID: 1299456). An algorithm developed to predict the effect of missense changes on protein structure and function (PolyPhen-2) suggests that this variant is likely to be disruptive. In summary, the available evidence is currently insufficient to determine the role of this variant in disease. Therefore, it has been classified as a Variant of Uncertain Significance.

Illumina Laboratory Services, Illumina
Classification: Uncertain significance. Last evaluated: 2021-09-25. Review status: criteria provided, single submitter. Criteria: ICSLVariantClassificationCriteria RUGD 01 April 2020. Collection method: clinical testing. Allele origin: unknown.
Comment: The TNS2 c.493C>T (p.Arg165Trp) variant is a missense variant. A literature search was performed for the gene, cDNA change, and amino acid change. No publications were found based on this search. This variant is reported at a frequency of 0.00022 in the European (non-Finnish) population of the Genome Aggregation Database (version 3.1.1). Based on the available evidence, the p.Arg165Trp variant is classified as a variant of uncertain significance.

AiLife Diagnostics
Classification: Uncertain significance. Last evaluated: 2020-05-12. Review status: criteria provided, single submitter. Criteria: ACMG Guidelines, 2015. Collection method: clinical testing. Allele origin: germline. Affected: yes. Observed: 1 variant allele.

Breakthrough Genomics
Classification: Uncertain significance. Review status: criteria provided, single submitter. Criteria: ACMG Guidelines, 2015. Collection method: not provided. Allele origin: germline. Inheritance: Unknown mechanism. Affected: yes.

NM_170754.4(TNS2):c.463C>T (p.Arg155Trp)

Genes: TNS2 (tensin 2; plus strand), TNS2-AS1 (TNS2 antisense RNA 1; minus strand). Cytogenetic location: 12q13.13.
Variant type: single nucleotide variant.
Coding change: c.463C>T on transcript NM_170754.4 (MANE Select); coding-DNA position 463, C replaced by T.
Protein change: p.Arg155Trp; replaces arginine 155 with tryptophan.
Molecular consequence: missense variant. On other transcripts: non-coding transcript variant (1).
Genome position (GRCh38, 1-based): chr12:53,054,382, C>T. VCF-style: chr12-53054382-C-T. GRCh37 (hg19) VCF-style: chr12-53448166-C-T.
Other names: c.394C>T, p.Arg132Trp (NM_015319.3, NM_001416203.1); c.91C>T, p.Arg31Trp (NM_198316.2); c.463C>T, p.Arg155Trp (NM_001416202.1, NM_001416204.1); short protein forms R155W, R165W, R31W, R132W.
Identifiers: ClinVar variation 1299456 (VCV001299456.9), dbSNP rs373949417, ClinGen allele CA6591932.